The following is an entry in ClinVar:

ClinVar aggregate classification (germline): Benign. Review status: criteria provided, multiple submitters, no conflicts (2 of 4 stars). 6 submissions from 6 submitters: Benign (5). 1 of the submissions does not count toward it. Last evaluated 2026-02-04.

Conditions:
Cardiovascular phenotype. Identifiers: MedGen CN230736.
Dilated cardiomyopathy 1JJ (CMD1JJ). Identifiers: Orphanet 154, MedGen C3808935, MONDO:0014095, OMIM 615235.

Submissions (6):

Labcorp Genetics (formerly Invitae), Labcorp
Classification: Benign for Dilated cardiomyopathy 1JJ. Last evaluated: 2026-02-04. Review status: criteria provided, single submitter. Criteria: Invitae Variant Classification Sherloc (09022015). Collection method: clinical testing. Allele origin: germline.

ARUP Laboratories, Molecular Genetics and Genomics, ARUP Laboratories
Classification: Benign for Dilated cardiomyopathy 1JJ. Last evaluated: 2023-11-29. Review status: criteria provided, single submitter. Criteria: ARUP Molecular Germline Variant Investigation Process 2024. Collection method: clinical testing. Allele origin: germline.

Women's Health and Genetics/Laboratory Corporation of America, LabCorp
Classification: Benign. Last evaluated: 2023-04-04. Review status: criteria provided, single submitter. Criteria: LabCorp Variant Classification Summary - May 2015. Collection method: clinical testing. Allele origin: germline.
Comment: Variant summary: LAMA4 c.848_849delinsAC (p.Ala283Asp) results in a non-conservative amino acid change in the encoded protein sequence. It is part of a multinucleotide variant comprising a synonymous change at 6-112508769-T-G and a missense change at 6-112508770-G-T. One of two in-silico tools predict a benign effect of the variant on protein function. The synonymous variant allele was found at a frequency of 1 in 282440 control chromosomes similar to the missense allele, suggesting that it is the major allele and therefore benign. To our knowledge, no occurrence of c.848_849delinsAC in individuals affected with Cardiomyopathy and no experimental evidence demonstrating its impact on protein function have been reported. Four clinical diagnostic laboratories have submitted clinical-significance assessments for this variant to ClinVar after 2014 without evidence for independent evaluation. All laboratories classified the variant as benign. Based on the evidence outlined above, the variant was classified as benign.

Ambry Genetics
Classification: Benign for Cardiovascular phenotype. Last evaluated: 2022-03-17. Review status: criteria provided, single submitter. Criteria: Ambry Variant Classification Scheme 2023. Collection method: clinical testing. Allele origin: germline.

GeneDx
Classification: Benign. Last evaluated: 2017-07-07. Review status: criteria provided, single submitter. Criteria: GeneDx Variant Classification (06012015). Collection method: clinical testing. Allele origin: germline. Affected: yes.
Comment: This variant is considered likely benign or benign based on one or more of the following criteria: it is a conservative change, it occurs at a poorly conserved position in the protein, it is predicted to be benign by multiple in silico algorithms, and/or has population frequency not consistent with disease.

Laboratory for Molecular Medicine, Mass General Brigham Personalized Medicine
No classification provided. Last evaluated: 2011-09-16. Review status: no classification provided. Collection method: clinical testing. Allele origin: germline. Observed: 1,343 variant alleles. Not counted in ClinVar's aggregate classification.

NM_001105206.3(LAMA4):c.848_849= (p.Asp283=)

Gene: LAMA4 (laminin subunit alpha 4; minus strand). Cytogenetic location: 6q21.
Variant type: Indel.
Coding change: c.848_849= on transcript NM_001105206.3 (MANE Select); coding-DNA positions 848 to 849, no change from the reference sequence.
Protein change: p.Asp283=; no amino-acid change (aspartic acid 283 retained).
Molecular consequence: no sequence alteration.
Genome position: GRCh38 VCF-style: chr6-112187567-GT-GT. GRCh37 (hg19) VCF-style: chr6-112508769-TG-GT.
Other names: c.848_849delinsAC (NM_001105206.2); c.827_828delinsAC (NM_002290.4); c.827_828=, p.Asp276= (NM_001105207.3, NM_002290.5).
Identifiers: ClinVar variation 177976 (VCV000177976.29), dbSNP rs71543223.